The following is an entry in ClinVar:

ClinVar aggregate classification (germline): Likely benign. Review status: criteria provided, single submitter (1 of 4 stars). 2 submissions from 2 submitters: Likely benign (1). 1 of the submissions does not count toward it. Last evaluated 2024-11-11.

Conditions:
MYO5B-related disorder. Also called: MYO5B-related condition.

Submissions (2):

Labcorp Genetics (formerly Invitae), Labcorp
Classification: Likely benign. Last evaluated: 2024-11-11. Review status: criteria provided, single submitter. Criteria: Invitae Variant Classification Sherloc (09022015). Collection method: clinical testing. Allele origin: germline.

PreventionGenetics, part of Exact Sciences
Classification: Likely benign for MYO5B-related condition. Last evaluated: 2023-05-08. Review status: no assertion criteria provided. Collection method: clinical testing. Allele origin: germline. Not counted in ClinVar's aggregate classification.
Comment: This variant is classified as likely benign based on ACMG/AMP sequence variant interpretation guidelines (Richards et al. 2015 PMID: 25741868, with internal and published modifications).

NM_001080467.3(MYO5B):c.3397-8del

Gene: MYO5B (myosin VB; minus strand). Cytogenetic location: 18q21.1.
Variant type: Deletion.
Coding change: c.3397-8del on transcript NM_001080467.3 (MANE Select); 8 bases into the intron before coding-DNA position 3397, one base deleted (C; older notation c.3397-8delC).
Molecular consequence: intron variant.
Genome position (GRCh38, 1-based): chr18:49,875,835, G deleted on the plus strand (C on the coding strand, the reverse complement: MYO5B is on the minus strand); the first of 2 consecutive G bases (chr18:49,875,835-49,875,836); deleting either gives the same sequence. VCF-style (leftmost placement, unchanged base first): chr18-49875834-AG-A. GRCh37 (hg19) VCF-style: chr18-47402204-AG-A.
Other names: c.3397-8delC (NM_001080467.2).
Identifiers: ClinVar variation 1667897 (VCV001667897.10), dbSNP rs1250398704, ClinGen allele CA629562657.